The following is an entry in ClinVar:

NM_170662.5(CBLB):c.1581G>A (p.Thr527=)

Gene: CBLB (Cbl proto-oncogene B; minus strand). Cytogenetic location: 3q13.11.
Variant type: single nucleotide variant.
Coding change: c.1581G>A on transcript NM_170662.5 (MANE Select); coding-DNA position 1581, G replaced by A.
Protein change: p.Thr527=; no amino-acid change (threonine 527 retained).
Molecular consequence: synonymous variant. On other transcripts: non-coding transcript variant (7).
Genome position (GRCh38, 1-based): chr3:105,704,000, C>T on the plus strand (G>A on the coding strand, the complement: CBLB is on the minus strand). VCF-style: chr3-105704000-C-T. GRCh37 (hg19) VCF-style: chr3-105422844-C-T.
Other names: c.1665G>A, p.Thr555= (NM_001321786.1, NM_001321789.1); c.1581G>A, p.Thr527= (NM_001321788.2, NM_001321791.2, NM_001321793.2 and 4 more transcripts); c.1647G>A, p.Thr549= (NM_001321790.2); c.1434G>A, p.Thr478= (NM_001321796.2, NM_001321799.2); c.801G>A, p.Thr267= (NM_001321806.2, NM_001321807.2, NM_001321808.2 and 3 more transcripts); c.393G>A, p.Thr131= (NM_001321820.2); c.252G>A, p.Thr84= (NM_001321822.2).
Identifiers: ClinVar variation 3060344 (VCV003060344.2), dbSNP rs2305037, ClinGen allele CA2524749.
Genomic context (GRCh38, chr3:105,704,000, plus strand): 5'-AATTGTCTTACAAAATTTTCATCTGTGTTTCTAATAAAATTGATCTACCTTTGGTGAACC[C>T]GTTGGGCTGCCACAGGGAGATCTAACTATGCCTTTCTGAATTAGATCCAGGCGAGGAGGC-3'
Protein context (NP_733762.2, residues 517-537): GIVRSPCGSP[Thr527=]GSPKSSPCMV

ClinVar aggregate classification (germline): Benign (0 of 4 stars; one submission).

Conditions:
CBLB-related disorder. Also called: CBLB-related condition.

Allele frequency attached by ClinVar (database versions not stated): gnomAD exomes 0.72616; gnomAD 0.72823; ExAC 0.73067; TOPMed 0.73409; ESP Exome Variant Server 0.73689; 1000 Genomes Project 0.75100; 1000 Genomes Project 30x 0.75125.
gnomAD v4.1: 1,172,770 of 1,613,292 alleles (73%); highest among the groups gnomAD compares: Middle Eastern, 83%; 427,984 homozygotes.

Submission:

PreventionGenetics, part of Exact Sciences
Classification: Benign for CBLB-related condition. Last evaluated: 2019-10-17. Review status: no assertion criteria provided. Collection method: clinical testing. Allele origin: germline.
Comment: This variant is classified as benign based on ACMG/AMP sequence variant interpretation guidelines (Richards et al. 2015 PMID: 25741868, with internal and published modifications).